The following is an entry in ClinVar:

NM_001378454.1(ALMS1):c.754del (p.Ala252fs)

Gene: ALMS1 (ALMS1 centrosome and basal body associated protein; plus strand). Cytogenetic location: 2p13.1.
Variant type: Deletion.
Coding change: c.754del on transcript NM_001378454.1 (MANE Select); coding-DNA position 754, one base deleted (G; older notation c.754delG).
Protein change: p.Ala252fs; shifts the reading frame from alanine 252.
Molecular consequence: frameshift variant.
Genome position (GRCh38, 1-based): chr2:73,422,964, G deleted. VCF-style (leftmost placement, unchanged base first): chr2-73422963-TG-T. GRCh37 (hg19) VCF-style: chr2-73650091-TG-T.
Other names: c.757del, p.Ala253fs (NM_015120.4); short protein forms A252fs, A253fs.
Identifiers: ClinVar variation 4059982 (VCV004059982.2).

ClinVar aggregate classification (germline): Likely pathogenic (1 of 4 stars; one submission).

Conditions:
Alstrom syndrome (ALMS). Identifiers: Orphanet 64, MedGen C0268425, MONDO:0008763, OMIM 203800.

Submission:

Natera, Inc.
Classification: Likely pathogenic for Alstrom syndrome. Last evaluated: 2025-01-10. Review status: criteria provided, single submitter. Criteria: Natera Variant Classification Schema (03/2026). Collection method: clinical testing. Allele origin: germline.
Comment: The c.757del variant in ALMS1 is a frameshift variant predicted to shift the reading frame beginning at codon 253 and leads to a stop codon 3 codons downstream. This variant is expected to result in nonsense mediated decay, truncation, or a dysfunctional protein product. This variant is rare in the general population with a frequency below the threshold expected for the associated phenotype(s). Given the available evidence, this variant is classified as Likely Pathogenic.